The following is an entry in ClinVar:

NM_152617.4(RNF168):c.659_662del (p.Arg220fs)

Gene: RNF168 (ring finger protein 168; minus strand). Cytogenetic location: 3q29.
Variant type: Deletion.
Coding change: c.659_662del on transcript NM_152617.4 (MANE Select); coding-DNA positions 659 to 662, 4 bases deleted (GAAA; older notation c.659_662delGAAA).
Protein change: p.Arg220fs; shifts the reading frame from arginine 220.
Molecular consequence: frameshift variant.
Genome position (GRCh38, 1-based): chr3:196,483,788-196,483,791, TTTC deleted on the plus strand (GAAA on the coding strand, the reverse complement: RNF168 is on the minus strand); deleting any 4 consecutive bases within chr3:196,483,788-196,483,794 gives the same sequence; the c. name uses the placement nearest the transcript's 3' end. VCF-style (leftmost placement, unchanged base first): chr3-196483787-GTTTC-G. GRCh37 (hg19) VCF-style: chr3-196210658-GTTTC-G.
Other names: short protein forms R220fs.
Identifiers: ClinVar variation 1325008 (VCV001325008.9), dbSNP rs755314562, ClinGen allele CA2780860.

ClinVar aggregate classification (germline): Pathogenic/Likely pathogenic. Review status: criteria provided, multiple submitters, no conflicts (2 of 4 stars). 2 submissions from 2 submitters: Pathogenic (1); Likely pathogenic (1). Last evaluated 2022-08-19.

Conditions:
RIDDLE syndrome. Identifiers: Orphanet 420741, MedGen C2677792, MONDO:0012764, OMIM 611943.

Submissions (2):

Labcorp Genetics (formerly Invitae), Labcorp
Classification: Pathogenic. Last evaluated: 2022-08-19. Review status: criteria provided, single submitter. Criteria: Invitae Variant Classification Sherloc (09022015). Collection method: clinical testing. Allele origin: germline.
Comment: This sequence change creates a premature translational stop signal (p.Arg220Thrfs*9) in the RNF168 gene. It is expected to result in an absent or disrupted protein product. Loss-of-function variants in RNF168 are known to be pathogenic (PMID: 19203578, 21394101). This variant is present in population databases (rs755314562, gnomAD 0.03%). This variant has not been reported in the literature in individuals affected with RNF168-related conditions. ClinVar contains an entry for this variant (Variation ID: 1325008). For these reasons, this variant has been classified as Pathogenic.

Revvity Omics, Revvity
Classification: Likely pathogenic for RIDDLE syndrome. Last evaluated: 2019-12-23. Review status: criteria provided, single submitter. Criteria: ACMG Guidelines, 2015. Collection method: clinical testing. Allele origin: germline.

Literature cited by the submitters: PubMed 19203578 (cited by Labcorp Genetics (formerly Invitae), Labcorp); PubMed 21394101 (cited by Labcorp Genetics (formerly Invitae), Labcorp).